The following is an entry in ClinVar:

NM_001077525.3(MTMR14):c.110C>T (p.Ser37Phe)

Gene: MTMR14 (myotubularin related protein 14; plus strand). Cytogenetic location: 3p25.3.
Variant type: single nucleotide variant.
Coding change: c.110C>T on transcript NM_001077525.3 (MANE Select); coding-DNA position 110, C replaced by T.
Protein change: p.Ser37Phe; replaces serine 37 with phenylalanine.
Molecular consequence: missense variant.
Genome position (GRCh38, 1-based): chr3:9,649,693, C>T. VCF-style: chr3-9649693-C-T. GRCh37 (hg19) VCF-style: chr3-9691377-C-T.
Other names: c.110C>T, p.Ser37Phe (NM_001077526.3, NM_022485.5); short protein forms S37F.
Identifiers: ClinVar variation 1497092 (VCV001497092.6), dbSNP rs2047166123, ClinGen allele CA351803840.

ClinVar aggregate classification (germline): Uncertain significance (1 of 4 stars; one submission).

Submission:

Labcorp Genetics (formerly Invitae), Labcorp
Classification: Uncertain significance. Last evaluated: 2021-12-24. Review status: criteria provided, single submitter. Criteria: Invitae Variant Classification Sherloc (09022015). Collection method: clinical testing. Allele origin: germline.
Comment: This sequence change replaces serine, which is neutral and polar, with phenylalanine, which is neutral and non-polar, at codon 37 of the MTMR14 protein (p.Ser37Phe). This variant is not present in population databases (gnomAD no frequency). This variant has not been reported in the literature in individuals affected with MTMR14-related conditions. Algorithms developed to predict the effect of missense changes on protein structure and function are either unavailable or do not agree on the potential impact of this missense change (SIFT: "Deleterious"; PolyPhen-2: "Probably Damaging"; Align-GVGD: "Class C15"). In summary, the available evidence is currently insufficient to determine the role of this variant in disease. Therefore, it has been classified as a Variant of Uncertain Significance.